The following is an entry in ClinVar:

NM_006659.4(TUBGCP2):c.2082A>G (p.Gln694=)

Gene: TUBGCP2 (tubulin gamma complex component 2; minus strand). Cytogenetic location: 10q26.3.
Variant type: single nucleotide variant.
Coding change: c.2082A>G on transcript NM_006659.4 (MANE Select); coding-DNA position 2082, A replaced by G.
Protein change: p.Gln694=; no amino-acid change (glutamine 694 retained).
Molecular consequence: synonymous variant. On other transcripts: non-coding transcript variant (1).
Genome position (GRCh38, 1-based): chr10:133,283,945, T>C on the plus strand (A>G on the coding strand, the complement: TUBGCP2 is on the minus strand). VCF-style: chr10-133283945-T-C. GRCh37 (hg19) VCF-style: chr10-135097449-T-C.
Other names: c.2166A>G, p.Gln722= (NM_001256617.2); c.1692A>G, p.Gln564= (NM_001256618.2).
Identifiers: ClinVar variation 3040275 (VCV003040275.2), dbSNP rs202173821, ClinGen allele CA5763682.

ClinVar aggregate classification (germline): Likely benign (0 of 4 stars; one submission).

Conditions:
TUBGCP2-related disorder. Also called: TUBGCP2-related condition.

Allele frequency attached by ClinVar (database versions not stated): ExAC 0.00005; ESP Exome Variant Server 0.00008; 1000 Genomes Project 30x 0.00031; 1000 Genomes Project 0.00040.
gnomAD v4.1: 143 of 1,614,174 alleles (0.0089%); highest among the groups gnomAD compares: Non-Finnish European, 0.011%; no homozygotes.

Submission:

PreventionGenetics, part of Exact Sciences
Classification: Likely benign for TUBGCP2-related condition. Last evaluated: 2023-02-27. Review status: no assertion criteria provided. Collection method: clinical testing. Allele origin: germline.
Comment: This variant is classified as likely benign based on ACMG/AMP sequence variant interpretation guidelines (Richards et al. 2015 PMID: 25741868, with internal and published modifications).